The following is an entry in ClinVar:

NM_052947.4(ALPK2):c.5A>C (p.Lys2Thr)

Gene: ALPK2 (alpha kinase 2; minus strand). Cytogenetic location: 18q21.32.
Variant type: single nucleotide variant.
Coding change: c.5A>C on transcript NM_052947.4 (MANE Select); coding-DNA position 5, A replaced by C.
Protein change: p.Lys2Thr; replaces lysine 2 with threonine.
Molecular consequence: missense variant.
Genome position (GRCh38, 1-based): chr18:58,611,793, T>G on the plus strand (A>C on the coding strand, the complement: ALPK2 is on the minus strand). VCF-style: chr18-58611793-T-G. GRCh37 (hg19) VCF-style: chr18-56279025-T-G.
Other names: short protein forms K2T.
Identifiers: ClinVar variation 3060617 (VCV003060617.2), dbSNP rs6566987, ClinGen allele CA8977570.

ClinVar aggregate classification (germline): Benign (0 of 4 stars; one submission).

Conditions:
ALPK2-related disorder. Also called: ALPK2-related condition.

Allele frequency attached by ClinVar (database versions not stated): gnomAD exomes 0.81653; ESP Exome Variant Server 0.84193; gnomAD 0.86370; ExAC 0.86469; TOPMed 0.86805; 1000 Genomes Project 30x 0.94004; 1000 Genomes Project 0.94069.
gnomAD v4.1: 1,293,827 of 1,574,624 alleles (82%); highest among the groups gnomAD compares: East Asian, 100%; 534,927 homozygotes.

Submission:

PreventionGenetics, part of Exact Sciences
Classification: Benign for ALPK2-related condition. Last evaluated: 2019-10-18. Review status: no assertion criteria provided. Collection method: clinical testing. Allele origin: germline.
Comment: This variant is classified as benign based on ACMG/AMP sequence variant interpretation guidelines (Richards et al. 2015 PMID: 25741868, with internal and published modifications).